The following is an entry in ClinVar:

NM_000051.4(ATM):c.531dup (p.Pro178fs)

Gene: ATM (ATM serine/threonine kinase; plus strand). Cytogenetic location: 11q22.3.
Variant type: Duplication.
Coding change: c.531dup on transcript NM_000051.4 (MANE Select); coding-DNA position 531, one base duplicated (A; older notation c.531dupA).
Protein change: p.Pro178fs; shifts the reading frame from proline 178.
Molecular consequence: frameshift variant.
Genome position (GRCh38, 1-based): chr11:108,243,987, A duplicated; the last of 3 consecutive A bases (chr11:108,243,985-108,243,987); duplicating any one gives the same sequence. VCF-style (leftmost placement, unchanged base first): chr11-108243984-G-GA. GRCh37 (hg19) VCF-style: chr11-108114711-G-GA.
Other names: c.531dup, p.Pro178fs (NM_001351834.2); c.531dupA (NM_000051.3); short protein forms P178fs.
Identifiers: ClinVar variation 1746812 (VCV001746812.3), dbSNP rs2497129696, ClinGen allele CA2580083134.

ClinVar aggregate classification (germline): Pathogenic. Review status: criteria provided, multiple submitters, no conflicts (2 of 4 stars). 2 submissions from 2 submitters: Pathogenic (2). Last evaluated 2024-09-27.

Conditions:
Hereditary cancer-predisposing syndrome. Also called: Hereditary Cancer Syndrome; Neoplastic Syndromes, Hereditary; Tumor predisposition; Hereditary neoplastic syndrome. Identifiers: Orphanet 140162, MedGen C0027672, MeSH D009386, MONDO:0015356.
Familial cancer of breast. Also called: BREAST CANCER, FAMILIAL; Hereditary breast cancer; hereditary breast carcinoma. Identifiers: Orphanet 227535, MedGen C0346153, MONDO:0016419, OMIM 114480. Disease mechanism: loss of function.

Submissions (2):

Myriad Genetics, Inc.
Classification: Pathogenic for Familial cancer of breast. Last evaluated: 2024-09-27. Review status: criteria provided, single submitter. Criteria: Myriad Autosomal Dominant, Autosomal Recessive and X-Linked Classification Criteria (2023). Collection method: clinical testing. Allele origin: unknown.
Comment: This variant is considered pathogenic. This variant creates a frameshift predicted to result in premature protein truncation.

Ambry Genetics
Classification: Pathogenic for Hereditary cancer-predisposing syndrome. Last evaluated: 2020-03-26. Review status: criteria provided, single submitter. Criteria: Ambry Variant Classification Scheme 2023. Collection method: clinical testing. Allele origin: germline.
Comment: The c.531dupA pathogenic mutation, located in coding exon 5 of the ATM gene, results from a duplication of A at nucleotide position 531, causing a translational frameshift with a predicted alternate stop codon (p.P178Tfs*7). This alteration is expected to result in loss of function by premature protein truncation or nonsense-mediated mRNA decay. As such, this alteration is interpreted as a disease-causing mutation.